The following is an entry in ClinVar:

NM_001348323.3(TRIP12):c.2631G>A (p.Pro877=)

Gene: TRIP12 (thyroid hormone receptor interactor 12; minus strand). Cytogenetic location: 2q36.3.
Variant type: single nucleotide variant.
Coding change: c.2631G>A on transcript NM_001348323.3 (MANE Select); coding-DNA position 2631, G replaced by A.
Protein change: p.Pro877=; no amino-acid change (proline 877 retained).
Molecular consequence: synonymous variant.
Genome position (GRCh38, 1-based): chr2:229,805,749, C>T on the plus strand (G>A on the coding strand, the complement: TRIP12 is on the minus strand). VCF-style: chr2-229805749-C-T. GRCh37 (hg19) VCF-style: chr2-230670465-C-T.
Other names: c.2550G>A, p.Pro850= (NM_001284214.2, NM_001348315.2); c.2505G>A, p.Pro835= (NM_001284215.2, NM_001348316.2, NM_001348317.1 and 1 more transcripts); c.1596G>A, p.Pro532= (NM_001284216.2); c.2631G>A, p.Pro877= (NM_001348319.1, NM_001348320.2, NM_001348322.1 and 4 more transcripts); c.2634G>A, p.Pro878= (NM_001348321.1, NM_001348328.1, NM_001348329.2 and 1 more transcripts); c.2424G>A, p.Pro808= (NM_001348331.1); c.2544G>A, p.Pro848= (NM_001348332.1); c.2553G>A, p.Pro851= (NM_001348333.1); and 1 more.
Identifiers: ClinVar variation 4533686 (VCV004533686.7).

ClinVar aggregate classification (germline): Likely benign. Review status: criteria provided, multiple submitters, no conflicts (2 of 4 stars). 2 submissions from 2 submitters: Likely benign (2). Last evaluated 2025-11-01.

gnomAD v4.1: 446 of 1,597,692 alleles (0.028%); highest among the groups gnomAD compares: African/African-American, 0.42%; 2 homozygotes.

Submissions (2):

CeGaT Center for Human Genetics Tuebingen
Classification: Likely benign. Last evaluated: 2025-11-01. Review status: criteria provided, single submitter. Criteria: CeGaT Center For Human Genetics Tuebingen Variant Classification Criteria Version 2. Collection method: clinical testing. Allele origin: germline. Affected: yes. Observed: 1 variant allele.
Comment: TRIP12: BP4, BP7

Blueprint Genetics
Classification: Likely benign. Last evaluated: 2024-11-17. Review status: criteria provided, single submitter. Criteria: ACMG Guidelines, 2015. Collection method: clinical testing. Allele origin: germline.